The following is an entry in ClinVar:

NM_000551.4(VHL):c.22T>C (p.Trp8Arg)

Gene: VHL (von Hippel-Lindau tumor suppressor; plus strand). Cytogenetic location: 3p25.3.
Variant type: single nucleotide variant.
Coding change: c.22T>C on transcript NM_000551.4 (MANE Select); coding-DNA position 22, T replaced by C.
Protein change: p.Trp8Arg; replaces tryptophan 8 with arginine.
Molecular consequence: missense variant.
Genome position (GRCh38, 1-based): chr3:10,141,869, T>C. VCF-style: chr3-10141869-T-C. GRCh37 (hg19) VCF-style: chr3-10183553-T-C.
Other names: c.22T>C, p.Trp8Arg (NM_001354723.2, NM_198156.3); short protein forms W8R.
Identifiers: ClinVar variation 456575 (VCV000456575.13), dbSNP rs1352171735, ClinGen allele CA351747057.

ClinVar aggregate classification (germline): Conflicting classifications of pathogenicity. Review status: criteria provided, conflicting classifications (1 of 4 stars). 5 submissions from 5 submitters: Uncertain significance (3); Benign (1); Likely benign (1). Last evaluated 2025-10-13.

Conditions:
Von Hippel-Lindau syndrome (VHLS). Also called: Von Hippel-Lindau; von Hippel–Lindau syndrome; VHL syndrome. Identifiers: Orphanet 892, MedGen C0019562, MONDO:0008667, OMIM 193300. Disease mechanism: loss of function.
Chuvash polycythemia. Also called: POLYCYTHEMIA, VHL-DEPENDENT. Identifiers: Orphanet 238557, MedGen C1837915, MONDO:0009892, OMIM 263400.
Hereditary cancer-predisposing syndrome. Also called: Hereditary Cancer Syndrome; Hereditary neoplastic syndrome; Tumor predisposition; Neoplastic Syndromes, Hereditary. Identifiers: Orphanet 140162, MedGen C0027672, MeSH D009386, MONDO:0015356.

Allele frequency attached by ClinVar (database versions not stated): gnomAD exomes 0.00003.

Submissions (5):

Labcorp Genetics (formerly Invitae), Labcorp
Classification: Uncertain significance for Von Hippel-Lindau syndrome; Chuvash polycythemia. Last evaluated: 2025-10-13. Review status: criteria provided, single submitter. Criteria: Invitae Variant Classification Sherloc (09022015). Collection method: clinical testing. Allele origin: germline.
Comment: This sequence change replaces tryptophan, which is neutral and slightly polar, with arginine, which is basic and polar, at codon 8 of the VHL protein (p.Trp8Arg). This variant is present in population databases (no rsID available, gnomAD 0.01%). This variant has not been reported in the literature in individuals affected with VHL-related conditions. ClinVar contains an entry for this variant (Variation ID: 456575). Invitae Evidence Modeling of protein sequence and biophysical properties (such as structural, functional, and spatial information, amino acid conservation, physicochemical variation, residue mobility, and thermodynamic stability) indicates that this missense variant is not expected to disrupt VHL protein function with a negative predictive value of 95%. In summary, the available evidence is currently insufficient to determine the role of this variant in disease. Therefore, it has been classified as a Variant of Uncertain Significance.

Ambry Genetics
Classification: Benign for Hereditary cancer-predisposing syndrome. Last evaluated: 2024-12-23. Review status: criteria provided, single submitter. Criteria: Ambry Variant Classification Scheme 2023. Collection method: clinical testing. Allele origin: germline.

Myriad Genetics, Inc.
Classification: Likely benign for Von Hippel-Lindau syndrome. Last evaluated: 2024-08-13. Review status: criteria provided, single submitter. Criteria: Myriad Autosomal Dominant, Autosomal Recessive and X-Linked Classification Criteria (2023). Collection method: clinical testing. Allele origin: unknown.
Comment: This variant is considered likely benign. This variant has been observed at a population frequency that is significantly greater than expected given the associated disease prevalence and penetrance.

All of Us Research Program, National Institutes of Health
Classification: Uncertain significance for Von Hippel-Lindau syndrome. Last evaluated: 2024-02-22. Review status: criteria provided, single submitter. Criteria: ACMG Guidelines, 2015. Collection method: clinical testing. Allele origin: germline. Inheritance: Autosomal dominant inheritance. Observed: 1 variant allele, 1 heterozygote.
Comment: This missense variant replaces tryptophan with arginine at codon 8 of the VHL protein. Computational prediction suggests that this variant may not impact protein structure and function (internally defined REVEL score threshold <= 0.5, PMID: 27666373). To our knowledge, functional studies have not been reported for this variant. This variant has not been reported in individuals affected with VHL-related disorders in the literature. This variant has been identified in 4/141422 chromosomes in the general population by the Genome Aggregation Database (gnomAD). The available evidence is insufficient to determine the role of this variant in disease conclusively. Therefore, this variant is classified as a Variant of Uncertain Significance.

This study involves interpretation of variants in research participants for the purpose of population health screening. Participant phenotype was not available at the time of variant classification. Additional details can be found in publication PMID: 35346344, PMCID: PMC8962531

Quest Diagnostics Nichols Institute San Juan Capistrano
Classification: Uncertain significance. Last evaluated: 2023-07-19. Review status: criteria provided, single submitter. Criteria: Quest Diagnostics criteria. Collection method: clinical testing. Allele origin: unknown.
Comment: To the best of our knowledge, this variant has not been reported in the published literature. The frequency of this variant in the general population, 0.00014 (3/21172 chromosomes in South Asian subpopulation (Genome Aggregation Database)), is higher than would generally be expected for pathogenic variants in this gene. Analysis of this variant using bioinformatics tools for the prediction of the effect of amino acid changes on protein structure and function yielded predictions that this variant is benign. Based on the available information, we are unable to determine the clinical significance of this variant.